The following is an entry in ClinVar:

NM_000088.4(COL1A1):c.6C>T (p.Phe2=)

Gene: COL1A1 (collagen type I alpha 1 chain; minus strand). Cytogenetic location: 17q21.33.
Variant type: single nucleotide variant.
Coding change: c.6C>T on transcript NM_000088.4 (MANE Select); coding-DNA position 6, C replaced by T.
Protein change: p.Phe2=; no amino-acid change (phenylalanine 2 retained).
Molecular consequence: synonymous variant.
Genome position (GRCh38, 1-based): chr17:50,201,508, G>A on the plus strand (C>T on the coding strand, the complement: COL1A1 is on the minus strand). VCF-style: chr17-50201508-G-A. GRCh37 (hg19) VCF-style: chr17-48278869-G-A.
Identifiers: ClinVar variation 1756605 (VCV001756605.6), dbSNP rs776596093, ClinGen allele CA8645895.
Genomic context (GRCh38, chr17:50,201,508, plus strand): 5'-GCCGTGCGTCAGGAGGGCGGTGGCCGCTAAGAGGAGCAGGAGCCGGAGGTCCACAAAGCT[G>A]AACATGTCTAGACCCTAGACATGTAGACTCTTTGTGGCTGGGGAGGGGGTTAGCGTCCGC-3'
Protein context (NP_000079.2, residues 1-12): M[Phe2=]SFVDLRLLLL

ClinVar aggregate classification (germline): Conflicting classifications of pathogenicity. Review status: criteria provided, conflicting classifications (1 of 4 stars). 4 submissions from 4 submitters: Uncertain significance (1); Benign (1); Likely benign (2). Last evaluated 2025-04-11.

Conditions:
Osteogenesis imperfecta type I (OI1). Also called: OI, TYPE I; OSTEOGENESIS IMPERFECTA TARDA; OSTEOGENESIS IMPERFECTA WITH BLUE SCLERAE; Osteogenesis imperfecta type 1; Lobstein's Disease; Lobstein disease. Identifiers: Orphanet 216796, Orphanet 666, MedGen C0023931, MONDO:0008146, OMIM 166200. Disease mechanism: loss of function.
Cardiovascular phenotype. Identifiers: MedGen CN230736.

Allele frequency attached by ClinVar (database versions not stated): gnomAD exomes below 0.00001; ExAC 0.00002; gnomAD 0.00002; TOPMed 0.00006.
gnomAD v4.1: 4 of 1,611,328 alleles (0.00025%); highest among the groups gnomAD compares: African/African-American, 0.0053%; no homozygotes.

Submissions (4):

Labcorp Genetics (formerly Invitae), Labcorp
Classification: Benign for Osteogenesis imperfecta type I. Last evaluated: 2025-04-11. Review status: criteria provided, single submitter. Criteria: Invitae Variant Classification Sherloc (09022015). Collection method: clinical testing. Allele origin: germline.

GeneDx
Classification: Uncertain significance. Last evaluated: 2023-04-27. Review status: criteria provided, single submitter. Criteria: GeneDx Variant Classification Process June 2021. Collection method: clinical testing. Allele origin: germline. Affected: yes.
Comment: Not observed at significant frequency in large population cohorts (gnomAD); In silico analysis supports that this variant does not alter splicing; Has not been previously published as pathogenic or benign to our knowledge

Blueprint Genetics
Classification: Likely benign. Last evaluated: 2020-11-11. Review status: criteria provided, single submitter. Criteria: ACMG Guidelines, 2015. Collection method: clinical testing. Allele origin: germline.

Ambry Genetics
Classification: Likely benign for Cardiovascular phenotype. Last evaluated: 2020-09-23. Review status: criteria provided, single submitter. Criteria: Ambry Variant Classification Scheme 2023. Collection method: clinical testing. Allele origin: germline.